The following is an entry in ClinVar:

ClinVar aggregate classification (germline): Uncertain significance (1 of 4 stars; one submission).

Submission:

CeGaT Center for Human Genetics Tuebingen
Classification: Uncertain significance. Last evaluated: 2024-02-01. Review status: criteria provided, single submitter. Criteria: CeGaT Center For Human Genetics Tuebingen Variant Classification Criteria Version 2. Collection method: clinical testing. Allele origin: germline. Affected: yes. Observed: 1 variant allele.
Comment: PTPN22: PM2, BP4

NM_015967.8(PTPN22):c.1840C>G (p.Pro614Ala)

Genes: AP4B1-AS1 (AP4B1 antisense RNA 1; plus strand), PTPN22 (protein tyrosine phosphatase non-receptor type 22; minus strand). Cytogenetic location: 1p13.2.
Variant type: single nucleotide variant.
Coding change: c.1840C>G on transcript NM_015967.8 (MANE Select); coding-DNA position 1840, C replaced by G.
Protein change: p.Pro614Ala; replaces proline 614 with alanine.
Molecular consequence: missense variant.
Genome position (GRCh38, 1-based): chr1:113,834,964, G>C on the plus strand (C>G on the coding strand, the complement: PTPN22 is on the minus strand). VCF-style: chr1-113834964-G-C. GRCh37 (hg19) VCF-style: chr1-114377586-G-C.
Other names: c.1840C>G, p.Pro614Ala (NM_001193431.3); c.1768C>G, p.Pro590Ala (NM_001308297.2); c.1675C>G, p.Pro559Ala (NM_012411.6); short protein forms P559A, P590A, P614A.
Identifiers: ClinVar variation 3027355 (VCV003027355.22), dbSNP rs1449920450, ClinGen allele CA341704383.